The following is an entry in ClinVar:

ClinVar aggregate classification (germline): Uncertain significance (1 of 4 stars; one submission).

Allele frequency attached by ClinVar (database versions not stated): TOPMed below 0.00001; gnomAD exomes 0.00001; ExAC 0.00002; gnomAD 0.00002.
gnomAD v4.1: 19 of 1,612,924 alleles (0.0012%); highest among the groups gnomAD compares: Admixed American, 0.0017%; no homozygotes.

Submission:

Labcorp Genetics (formerly Invitae), Labcorp
Classification: Uncertain significance. Last evaluated: 2022-02-17. Review status: criteria provided, single submitter. Criteria: Invitae Variant Classification Sherloc (09022015). Collection method: clinical testing. Allele origin: germline.
Comment: This sequence change replaces asparagine, which is neutral and polar, with lysine, which is basic and polar, at codon 266 of the ACOX2 protein (p.Asn266Lys). This variant is present in population databases (rs761757965, gnomAD 0.003%). This variant has not been reported in the literature in individuals affected with ACOX2-related conditions. Algorithms developed to predict the effect of missense changes on protein structure and function are either unavailable or do not agree on the potential impact of this missense change (SIFT: "Tolerated"; PolyPhen-2: "Probably Damaging"; Align-GVGD: "Class C0"). In summary, the available evidence is currently insufficient to determine the role of this variant in disease. Therefore, it has been classified as a Variant of Uncertain Significance.

NM_003500.4(ACOX2):c.798C>A (p.Asn266Lys)

Gene: ACOX2 (acyl-CoA oxidase 2; minus strand). Cytogenetic location: 3p14.3.
Variant type: single nucleotide variant.
Coding change: c.798C>A on transcript NM_003500.4 (MANE Select); coding-DNA position 798, C replaced by A.
Protein change: p.Asn266Lys; replaces asparagine 266 with lysine.
Molecular consequence: missense variant.
Genome position (GRCh38, 1-based): chr3:58,531,272, G>T on the plus strand (C>A on the coding strand, the complement: ACOX2 is on the minus strand). VCF-style: chr3-58531272-G-T. GRCh37 (hg19) VCF-style: chr3-58516999-G-T.
Other names: short protein forms N266K.
Identifiers: ClinVar variation 1921955 (VCV001921955.5), dbSNP rs761757965, ClinGen allele CA2472288.